The following is an entry in ClinVar:

NM_019109.5(ALG1):c.304C>T (p.Gln102Ter)

Gene: ALG1 (ALG1 chitobiosyldiphosphodolichol beta-mannosyltransferase; plus strand). Cytogenetic location: 16p13.3.
Variant type: single nucleotide variant.
Coding change: c.304C>T on transcript NM_019109.5 (MANE Select); coding-DNA position 304, C replaced by T.
Protein change: p.Gln102Ter; replaces glutamine 102 with a stop codon.
Molecular consequence: nonsense. On other transcripts: 5 prime UTR variant (1).
Genome position (GRCh38, 1-based): chr16:5,073,170, C>T. VCF-style: chr16-5073170-C-T. GRCh37 (hg19) VCF-style: chr16-5123171-C-T.
Other names: c.-30C>T (NM_001330504.2).
Identifiers: ClinVar variation 432180 (VCV000432180.13), dbSNP rs780107088, ClinGen allele CA7889780.
Genomic context (GRCh38, chr16:5,073,170, plus strand): 5'-CCAGACGCTCCTTTGGTAGTCACAGGTGTTTTCTGACTTGCAGTTGGGCCCCGAGTTTTC[C>T]AGTACGGAGTCAAAGTTGTACTTCAGGCTATGTACTTGCTGTGGAAGTTGATGTGGAGGG-3'

ClinVar aggregate classification (germline): Pathogenic/Likely pathogenic. Review status: criteria provided, multiple submitters, no conflicts (2 of 4 stars). 3 submissions from 3 submitters: Pathogenic (1); Likely pathogenic (2). Last evaluated 2025-09-21.

Conditions:
ALG1-congenital disorder of glycosylation. Also called: ALG1-CDG; CONGENITAL DISORDER OF GLYCOSYLATION, TYPE Ik; CDG Ik. Identifiers: Orphanet 79327, MedGen C2931005, MONDO:0012052, OMIM 608540.

Allele frequency attached by ClinVar (database versions not stated): ExAC 0.00001; gnomAD exomes 0.00002 and 0.00003; TOPMed 0.00002; gnomAD 0.00003 and 0.00004.

Submissions (3):

Labcorp Genetics (formerly Invitae), Labcorp
Classification: Pathogenic for ALG1-congenital disorder of glycosylation. Last evaluated: 2025-09-21. Review status: criteria provided, single submitter. Criteria: Invitae Variant Classification Sherloc (09022015). Collection method: clinical testing. Allele origin: germline.
Comment: This sequence change creates a premature translational stop signal (p.Gln102*) in the ALG1 gene. It is expected to result in an absent or disrupted protein product. Loss-of-function variants in ALG1 are known to be pathogenic (PMID: 20679665, 23806237). This variant is present in population databases (rs780107088, gnomAD 0.004%). This variant has not been reported in the literature in individuals affected with ALG1-related conditions. ClinVar contains an entry for this variant (Variation ID: 432180). Algorithms developed to predict the effect of sequence changes on RNA splicing suggest that this variant may disrupt the consensus splice site. For these reasons, this variant has been classified as Pathogenic.

GeneDx
Classification: Likely pathogenic. Last evaluated: 2025-02-23. Review status: criteria provided, single submitter. Criteria: GeneDx Variant Classification Process June 2021. Collection method: clinical testing. Allele origin: germline. Affected: yes.
Comment: Nonsense variant predicted to result in protein truncation or nonsense mediated decay in a gene for which loss of function is a known mechanism of disease; Not observed at significant frequency in large population cohorts (gnomAD); Has not been previously published as pathogenic or benign to our knowledge; This variant is associated with the following publications: (PMID: 31589614)

Fulgent Genetics
Classification: Likely pathogenic for ALG1-congenital disorder of glycosylation. Last evaluated: 2024-02-08. Review status: criteria provided, single submitter. Criteria: ACMG Guidelines, 2015. Collection method: clinical testing. Allele origin: germline.

Literature cited by the submitters: PubMed 20679665 (cited by Labcorp Genetics (formerly Invitae), Labcorp); PubMed 23806237 (cited by Labcorp Genetics (formerly Invitae), Labcorp).